The following is an entry in ClinVar:

ClinVar aggregate classification (germline): Uncertain significance. Review status: criteria provided, multiple submitters, no conflicts (2 of 4 stars). 2 submissions from 2 submitters: Uncertain significance (2). Last evaluated 2025-06-03.

Conditions:
FG syndrome (FGS). Identifiers: MedGen C0220769, MONDO:0002010.
Familial thoracic aortic aneurysm and aortic dissection (TAAD). Also called: Thoracic aortic aneurysms and dissections. Identifiers: Orphanet 91387, MedGen C4707243, MONDO:0019625.

Allele frequency attached by ClinVar (database versions not stated): gnomAD 0.00001.
gnomAD v4.1: 1 of 1,209,226 alleles (0.000083%); highest among the groups gnomAD compares: African/African-American, 0.0018%; no homozygotes.

Submissions (2):

Labcorp Genetics (formerly Invitae), Labcorp
Classification: Uncertain significance for FG syndrome. Last evaluated: 2025-06-03. Review status: criteria provided, single submitter. Criteria: Invitae Variant Classification Sherloc (09022015). Collection method: clinical testing. Allele origin: germline.
Comment: This sequence change replaces leucine, which is neutral and non-polar, with methionine, which is neutral and non-polar, at codon 2010 of the MED12 protein (p.Leu2010Met). This variant is not present in population databases (gnomAD no frequency). This variant has not been reported in the literature in individuals affected with MED12-related conditions. ClinVar contains an entry for this variant (Variation ID: 2450610). Invitae Evidence Modeling of protein sequence and biophysical properties (such as structural, functional, and spatial information, amino acid conservation, physicochemical variation, residue mobility, and thermodynamic stability) indicates that this missense variant is not expected to disrupt MED12 protein function with a negative predictive value of 95%. In summary, the available evidence is currently insufficient to determine the role of this variant in disease. Therefore, it has been classified as a Variant of Uncertain Significance.

Ambry Genetics
Classification: Uncertain significance for Familial thoracic aortic aneurysm and aortic dissection. Last evaluated: 2023-02-10. Review status: criteria provided, single submitter. Criteria: Ambry Variant Classification Scheme 2023. Collection method: clinical testing. Allele origin: germline.
Comment: The p.L2010M variant (also known as c.6028C>A), located in coding exon 41 of the MED12 gene, results from a C to A substitution at nucleotide position 6028. The leucine at codon 2010 is replaced by methionine, an amino acid with highly similar properties. This amino acid position is conserved. In addition, this alteration is predicted to be tolerated by in silico analysis. Since supporting evidence is limited at this time, the clinical significance of this alteration remains unclear.

NM_005120.3(MED12):c.6028C>A (p.Leu2010Met)

Gene: MED12 (mediator complex subunit 12; plus strand). Cytogenetic location: Xq13.1.
Variant type: single nucleotide variant.
Coding change: c.6028C>A on transcript NM_005120.3 (MANE Select); coding-DNA position 6028, C replaced by A.
Protein change: p.Leu2010Met; replaces leucine 2010 with methionine.
Molecular consequence: missense variant.
Genome position (GRCh38, 1-based): chrX:71,137,927, C>A. VCF-style: chrX-71137927-C-A. GRCh37 (hg19) VCF-style: chrX-70357777-C-A.
Other names: short protein forms L2010M.
Identifiers: ClinVar variation 2450610 (VCV002450610.4), dbSNP rs996284848, ClinGen allele CA330983981.